The following is an entry in ClinVar:

NM_000023.4(SGCA):c.1131C>T (p.Ser377=)

Gene: SGCA (sarcoglycan alpha; plus strand). Cytogenetic location: 17q21.33.
Variant type: single nucleotide variant.
Coding change: c.1131C>T on transcript NM_000023.4 (MANE Select); coding-DNA position 1131, C replaced by T.
Protein change: p.Ser377=; no amino-acid change (serine 377 retained).
Molecular consequence: synonymous variant. On other transcripts: non-coding transcript variant (1).
Genome position (GRCh38, 1-based): chr17:50,175,404, C>T. VCF-style: chr17-50175404-C-T. GRCh37 (hg19) VCF-style: chr17-48252765-C-T.
Other names: c.759C>T, p.Ser253= (NM_001135697.3).
Identifiers: ClinVar variation 1081880 (VCV001081880.33), dbSNP rs769951787, ClinGen allele CA8644092.

ClinVar aggregate classification (germline): Likely benign. Review status: criteria provided, multiple submitters, no conflicts (2 of 4 stars). 2 submissions from 2 submitters: Likely benign (2). Last evaluated 2023-08-16.

Conditions:
Autosomal recessive limb-girdle muscular dystrophy type 2D (LGMDR3). Also called: ADHALINOPATHY, PRIMARY; DUCHENNE-LIKE AUTOSOMAL RECESSIVE MUSCULAR DYSTROPHY, TYPE 2; MUSCULAR DYSTROPHY, LIMB-GIRDLE, AUTOSOMAL RECESSIVE 3. Identifiers: Orphanet 62, MedGen C2936332, MONDO:0011968, OMIM 608099. Disease mechanism: Affects gamma-sarcoglycan and also disrupts the integrity of the entire sarcoglycan complex..

Allele frequency attached by ClinVar (database versions not stated): TOPMed below 0.00001; gnomAD 0.00001; gnomAD exomes 0.00001.
gnomAD v4.1: 17 of 1,613,040 alleles (0.0011%); highest among the groups gnomAD compares: Middle Eastern, 0.049%; no homozygotes.

Submissions (2):

Labcorp Genetics (formerly Invitae), Labcorp
Classification: Likely benign for Autosomal recessive limb-girdle muscular dystrophy type 2D. Last evaluated: 2023-08-16. Review status: criteria provided, single submitter. Criteria: Invitae Variant Classification Sherloc (09022015). Collection method: clinical testing. Allele origin: germline.

CeGaT Center for Human Genetics Tuebingen
Classification: Likely benign. Last evaluated: 2023-01-01. Review status: criteria provided, single submitter. Criteria: CeGaT Center For Human Genetics Tuebingen Variant Classification Criteria Version 2. Collection method: clinical testing. Allele origin: germline. Affected: yes. Observed: 1 variant allele.
Comment: SGCA: BP4, BP7